The following is an entry in ClinVar:

ClinVar aggregate classification (germline): Uncertain significance (1 of 4 stars; one submission).

Conditions:
Inborn genetic diseases. Identifiers: MedGen C0950123, MeSH D030342.

gnomAD v4.1: 1 of 1,611,146 alleles (0.000062%); highest among the groups gnomAD compares: Non-Finnish European, 0.000085%; no homozygotes.

Submission:

Ambry Genetics
Classification: Uncertain significance for Inborn genetic diseases. Last evaluated: 2025-06-21. Review status: criteria provided, single submitter. Criteria: Ambry Variant Classification Scheme 2023. Collection method: clinical testing. Allele origin: germline.
Comment: The p.N333S variant (also known as c.998A>G), located in coding exon 7 of the MECOM gene, results from an A to G substitution at nucleotide position 998. The asparagine at codon 333 is replaced by serine, an amino acid with highly similar properties. This amino acid position is conserved. In addition, this alteration is predicted to be tolerated by in silico analysis. Based on the available evidence, the clinical significance of this variant remains unclear.

NM_004991.4(MECOM):c.998A>G (p.Asn333Ser)

Gene: MECOM (MDS1 and EVI1 complex locus; minus strand). Cytogenetic location: 3q26.2.
Variant type: single nucleotide variant.
Coding change: c.998A>G on transcript NM_004991.4 (MANE Select); coding-DNA position 998, A replaced by G.
Protein change: p.Asn333Ser; replaces asparagine 333 with serine.
Molecular consequence: missense variant.
Genome position (GRCh38, 1-based): chr3:169,121,190, T>C on the plus strand (A>G on the coding strand, the complement: MECOM is on the minus strand). VCF-style: chr3-169121190-T-C. GRCh37 (hg19) VCF-style: chr3-168838978-T-C.
Other names: c.434A>G, p.Asn145Ser (NM_001366471.2, NM_001366472.2, NM_001366474.2 and 5 more transcripts); c.998A>G, p.Asn333Ser (NM_001366473.2, NM_001366466.2); c.629A>G, p.Asn210Ser (NM_001105077.4); c.437A>G, p.Asn146Ser (NM_001163999.2, NM_001366467.2, NM_001366468.2 and 1 more transcripts); short protein forms N145S, N146S, N210S, N333S.
Identifiers: ClinVar variation 4105732 (VCV004105732.1).